The following is an entry in ClinVar:

NM_000322.5(PRPH2):c.146G>C (p.Ser49Thr)

Gene: PRPH2 (peripherin 2; minus strand). Cytogenetic location: 6p21.1.
Variant type: single nucleotide variant.
Coding change: c.146G>C on transcript NM_000322.5 (MANE Select); coding-DNA position 146, G replaced by C.
Protein change: p.Ser49Thr; replaces serine 49 with threonine.
Molecular consequence: missense variant.
Genome position (GRCh38, 1-based): chr6:42,722,189, C>G on the plus strand (G>C on the coding strand, the complement: PRPH2 is on the minus strand). VCF-style: chr6-42722189-C-G. GRCh37 (hg19) VCF-style: chr6-42689927-C-G.
Other names: short protein forms S49T.
Identifiers: ClinVar variation 1039024 (VCV001039024.6), dbSNP rs146844134, ClinGen allele CA3808659.

ClinVar aggregate classification (germline): Uncertain significance (1 of 4 stars; one submission).

Conditions:
PRPH2-related disorder. Also called: PRPH2-related disorders; PRPH2-related condition. Identifiers: MedGen CN239395.

Allele frequency attached by ClinVar (database versions not stated): ExAC 0.00002; gnomAD 0.00012 and 0.00011; ESP Exome Variant Server 0.00008; gnomAD exomes 0.00001 and 0.00003; TOPMed 0.00014.
gnomAD v4.1: 27 of 1,614,116 alleles (0.0017%); highest among the groups gnomAD compares: African/African-American, 0.036%; no homozygotes.

Submission:

Labcorp Genetics (formerly Invitae), Labcorp
Classification: Uncertain significance for PRPH2-related disorder. Last evaluated: 2025-01-07. Review status: criteria provided, single submitter. Criteria: Invitae Variant Classification Sherloc (09022015). Collection method: clinical testing. Allele origin: germline.
Comment: This sequence change replaces serine, which is neutral and polar, with threonine, which is neutral and polar, at codon 49 of the PRPH2 protein (p.Ser49Thr). This variant is present in population databases (rs146844134, gnomAD 0.05%). This variant has not been reported in the literature in individuals affected with PRPH2-related conditions. ClinVar contains an entry for this variant (Variation ID: 1039024). Invitae Evidence Modeling of protein sequence and biophysical properties (such as structural, functional, and spatial information, amino acid conservation, physicochemical variation, residue mobility, and thermodynamic stability) has been performed for this missense variant. However, the output from this modeling did not meet the statistical confidence thresholds required to predict the impact of this variant on PRPH2 protein function. In summary, the available evidence is currently insufficient to determine the role of this variant in disease. Therefore, it has been classified as a Variant of Uncertain Significance.